The following is an entry in ClinVar:

NM_018671.5(UNC45A):c.1823A>C (p.Lys608Thr)

Gene: UNC45A (unc-45 myosin chaperone A; plus strand). Cytogenetic location: 15q26.1.
Variant type: single nucleotide variant.
Coding change: c.1823A>C on transcript NM_018671.5 (MANE Select); coding-DNA position 1823, A replaced by C.
Protein change: p.Lys608Thr; replaces lysine 608 with threonine.
Molecular consequence: missense variant.
Genome position (GRCh38, 1-based): chr15:90,948,739, A>C. VCF-style: chr15-90948739-A-C. GRCh37 (hg19) VCF-style: chr15-91491969-A-C.
Other names: c.1778A>C, p.Lys593Thr (NM_001039675.2, NM_001323621.2); c.1823A>C, p.Lys608Thr (NM_001323619.1); c.1388A>C, p.Lys463Thr (NM_001323620.2); short protein forms K463T, K593T, K608T.
Identifiers: ClinVar variation 1943988 (VCV001943988.5), dbSNP rs771112612, ClinGen allele CA393859224.

ClinVar aggregate classification (germline): Uncertain significance (1 of 4 stars; one submission).

Allele frequency attached by ClinVar (database versions not stated): TOPMed below 0.00001; gnomAD 0.00001.
gnomAD v4.1: 1 of 1,613,712 alleles (0.000062%); highest among the groups gnomAD compares: Admixed American, 0.0017%; no homozygotes.

Submission:

Labcorp Genetics (formerly Invitae), Labcorp
Classification: Uncertain significance. Last evaluated: 2022-06-20. Review status: criteria provided, single submitter. Criteria: Invitae Variant Classification Sherloc (09022015). Collection method: clinical testing. Allele origin: germline.
Comment: Algorithms developed to predict the effect of missense changes on protein structure and function are either unavailable or do not agree on the potential impact of this missense change (SIFT: "Not Available"; PolyPhen-2: "Benign"; Align-GVGD: "Not Available"). This variant has not been reported in the literature in individuals affected with UNC45A-related conditions. This variant is not present in population databases (gnomAD no frequency). This sequence change replaces lysine, which is basic and polar, with threonine, which is neutral and polar, at codon 608 of the UNC45A protein (p.Lys608Thr). In summary, the available evidence is currently insufficient to determine the role of this variant in disease. Therefore, it has been classified as a Variant of Uncertain Significance.